The following is an entry in ClinVar:

NM_001048174.2(MUTYH):c.1355A>G (p.Glu452Gly)

Gene: MUTYH (mutY DNA glycosylase; minus strand). Cytogenetic location: 1p34.1.
Variant type: single nucleotide variant.
Coding change: c.1355A>G on transcript NM_001048174.2 (MANE Select); coding-DNA position 1355, A replaced by G.
Protein change: p.Glu452Gly; replaces glutamic acid 452 with glycine.
Molecular consequence: missense variant. On other transcripts: non-coding transcript variant (7).
Genome position (GRCh38, 1-based): chr1:45,331,219, T>C on the plus strand (A>G on the coding strand, the complement: MUTYH is on the minus strand). VCF-style: chr1-45331219-T-C. GRCh37 (hg19) VCF-style: chr1-45796891-T-C.
Other names: c.1397A>G, p.Glu466Gly (NM_001407083.1, NM_001407085.1); c.1358A>G, p.Glu453Gly (NM_001407086.1, NM_001407078.1, NM_001048172.2 and 1 more transcripts); c.1376A>G, p.Glu459Gly (NM_001407087.1); c.1355A>G, p.Glu452Gly (NM_001407088.1, NM_001407089.1, NM_001407081.1 and 6 more transcripts); c.1079A>G, p.Glu360Gly (NM_001407091.1, NM_001293192.2, NM_001293196.2); c.1430A>G, p.Glu477Gly (NM_012222.3); c.1388A>G, p.Glu463Gly (NM_001407077.1, NM_001293191.2, NM_001407069.1); c.1316A>G, p.Glu439Gly (NM_001407079.1); and 5 more; short protein forms E438G, E439G, E466G, E477G, E337G, E480G, E360G, E424G.
Identifiers: ClinVar variation 4113247 (VCV004113247.1).

ClinVar aggregate classification (germline): Uncertain significance (1 of 4 stars; one submission).

Conditions:
Hereditary cancer-predisposing syndrome. Also called: Tumor predisposition; Neoplastic Syndromes, Hereditary; Hereditary neoplastic syndrome; Hereditary Cancer Syndrome. Identifiers: Orphanet 140162, MedGen C0027672, MeSH D009386, MONDO:0015356.

Submission:

Ambry Genetics
Classification: Uncertain significance for Hereditary cancer-predisposing syndrome. Last evaluated: 2025-08-27. Review status: criteria provided, single submitter. Criteria: Ambry Variant Classification Scheme 2023. Collection method: clinical testing. Allele origin: germline.
Comment: The p.E480G variant (also known as c.1439A>G), located in coding exon 14 of the MUTYH gene, results from an A to G substitution at nucleotide position 1439. The glutamic acid at codon 480 is replaced by glycine, an amino acid with similar properties. This amino acid position is conserved. In addition, the in silico prediction for this alteration is inconclusive. Based on the available evidence, the clinical significance of this variant remains unclear.